The following is an entry in ClinVar:

NM_004738.5(VAPB):c.*5250T>C

Gene: VAPB (VAMP associated protein B and C; plus strand). Cytogenetic location: 20q13.32.
Variant type: single nucleotide variant.
Coding change: c.*5250T>C on transcript NM_004738.5 (MANE Select); 5250 bases downstream of the stop codon, T replaced by C.
Molecular consequence: 3 prime UTR variant. On other transcripts: non-coding transcript variant (1).
Genome position (GRCh38, 1-based): chr20:58,449,485, T>C. VCF-style: chr20-58449485-T-C. GRCh37 (hg19) VCF-style: chr20-57024541-T-C.
Other names: c.*5320T>C (NM_001195677.2).
Identifiers: ClinVar variation 339005 (VCV000339005.7), dbSNP rs6015274, ClinGen allele CA9924623.

ClinVar aggregate classification (germline): Benign. Review status: criteria provided, multiple submitters, no conflicts (2 of 4 stars). 3 submissions from 2 submitters: Benign (3). Last evaluated 2018-01-12.

Conditions:
Amyotrophic lateral sclerosis type 8 (ALS8). Identifiers: Orphanet 803, MedGen C1837728, MONDO:0012077, OMIM 608627.
Adult-onset proximal spinal muscular atrophy, autosomal dominant. Also called: FINKEL LATE-ADULT TYPE SMA; Spinal muscular atrophy, late-onset, finkel type. Identifiers: Orphanet 209335, MedGen C1854058, MONDO:0008453, OMIM 182980.

Allele frequency attached by ClinVar (database versions not stated): ExAC 0.42719; gnomAD exomes 0.44070 and 0.45088; TOPMed 0.46945; 1000 Genomes Project 30x 0.47783; 1000 Genomes Project 0.48323; gnomAD 0.48950 and 0.49186.
gnomAD v4.1: 209,911 of 452,594 alleles (46%); highest among the groups gnomAD compares: East Asian, 58%; 50,110 homozygotes.

Submissions (3):

Illumina Laboratory Services, Illumina
Classification: Benign for Adult-onset proximal spinal muscular atrophy, autosomal dominant. Last evaluated: 2018-01-12. Review status: criteria provided, single submitter. Criteria: ICSL Variant Classification Criteria 13 December 2019. Collection method: clinical testing. Allele origin: germline.
Comment: This variant was observed in the ICSL laboratory as part of a predisposition screen in an ostensibly healthy population. It had not been previously curated by ICSL or reported in the Human Gene Mutation Database (HGMD: prior to June 1st, 2018), and was therefore a candidate for classification through an automated scoring system. Utilizing variant allele frequency, disease prevalence and penetrance estimates, and inheritance mode, an automated score was calculated to assess if this variant is too frequent to cause the disease. Based on the score and internal cut-off values, a variant classified as benign is not then subjected to further curation. The score for this variant resulted in a classification of benign for this disease.

Illumina Laboratory Services, Illumina
Classification: Benign for Amyotrophic lateral sclerosis type 8. Last evaluated: 2018-01-12. Review status: criteria provided, single submitter. Criteria: ICSL Variant Classification Criteria 13 December 2019. Collection method: clinical testing. Allele origin: germline.
Comment: the same text as in the submission from Illumina Laboratory Services, Illumina above.

Breakthrough Genomics
Classification: Benign. Review status: criteria provided, single submitter. Criteria: ACMG Guidelines, 2015. Collection method: not provided. Allele origin: germline. Inheritance: Autosomal dominant inheritance. Affected: yes.